The following is an entry in ClinVar:

NM_138694.4(PKHD1):c.5239T>C (p.Cys1747Arg)

Gene: PKHD1 (PKHD1 ciliary IPT domain containing fibrocystin/polyductin; minus strand). Cytogenetic location: 6p12.2.
Variant type: single nucleotide variant.
Coding change: c.5239T>C on transcript NM_138694.4 (MANE Select); coding-DNA position 5239, T replaced by C.
Protein change: p.Cys1747Arg; replaces cysteine 1747 with arginine.
Molecular consequence: missense variant.
Genome position (GRCh38, 1-based): chr6:52,022,942, A>G on the plus strand (T>C on the coding strand, the complement: PKHD1 is on the minus strand). VCF-style: chr6-52022942-A-G. GRCh37 (hg19) VCF-style: chr6-51887740-A-G.
Other names: c.5239T>C, p.Cys1747Arg (NM_170724.3); c.5239T>C (NM_138694.3); short protein forms C1747R.
Identifiers: ClinVar variation 3593897 (VCV003593897.3).
Genomic context (GRCh38, chr6:52,022,942, plus strand): 5'-CTGAGACATTCCCTGGAGAAAATCCCGCTCCAAACACATGCACCAGCCTTCCACCCAGGC[A>G]GCCTTTAAAGACAAAGGTACAAGTTCTTGATCATACAGGCAAATCTCCCTTCTTTACTCA-3'
Protein context (NP_619639.3, residues 1737-1757): IITAVTENFG[Cys1747Arg]LGGRLVHVFG

ClinVar aggregate classification (germline): Uncertain significance. Review status: criteria provided, multiple submitters, no conflicts (2 of 4 stars). 3 submissions from 3 submitters: Uncertain significance (3). Last evaluated 2025-06-24.

Conditions:
PKHD1-related disorder. Also called: PKHD1-related condition.
Polycystic kidney disease 4 (PKD4). Also called: POLYCYSTIC KIDNEY DISEASE 4 WITH OR WITHOUT POLYCYSTIC LIVER DISEASE; PKD3; POLYCYSTIC KIDNEY AND HEPATIC DISEASE 1; POLYCYSTIC KIDNEY DISEASE, INFANTILE, TYPE I; Autosomal Recessive Polycystic Kidney Disease – PKHD1. Identifiers: MedGen C4540575, MONDO:0033004, OMIM 263200.
Inborn genetic diseases. Identifiers: MedGen C0950123, MeSH D030342.

gnomAD v4.1: 60 of 1,614,018 alleles (0.0037%); highest among the groups gnomAD compares: Non-Finnish European, 0.0047%; no homozygotes.

Submissions (3):

Ambry Genetics
Classification: Uncertain significance for Inborn genetic diseases. Last evaluated: 2025-06-24. Review status: criteria provided, single submitter. Criteria: Ambry Variant Classification Scheme 2023. Collection method: clinical testing. Allele origin: germline.

PreventionGenetics, part of Exact Sciences
Classification: Uncertain significance for PKHD1-related condition. Last evaluated: 2024-11-26. Review status: criteria provided, single submitter. Criteria: ACMG Guidelines, 2015. Collection method: clinical testing. Allele origin: germline.
Comment: The PKHD1 c.5239T>C variant is predicted to result in the amino acid substitution p.Cys1747Arg. To our knowledge, this variant has not been reported in the literature. This variant is reported in 0.0026% of alleles in individuals of European (Non-Finnish) descent in gnomAD. At this time, the clinical significance of this variant is uncertain due to the absence of conclusive functional and genetic evidence.

Fulgent Genetics
Classification: Uncertain significance for Polycystic kidney disease 4. Last evaluated: 2024-02-20. Review status: criteria provided, single submitter. Criteria: ACMG Guidelines, 2015. Collection method: clinical testing. Allele origin: germline.